The following is an entry in ClinVar:

ClinVar aggregate classification (germline): Uncertain significance. Review status: criteria provided, multiple submitters, no conflicts (2 of 4 stars). 2 submissions from 2 submitters: Uncertain significance (2). Last evaluated 2025-10-22.

Conditions:
Inborn genetic diseases. Identifiers: MedGen C0950123, MeSH D030342.

Allele frequency attached by ClinVar (database versions not stated): gnomAD exomes below 0.00001; ExAC 0.00001; gnomAD 0.00001; TOPMed 0.00002.

Submissions (2):

Ambry Genetics
Classification: Uncertain significance for Inborn genetic diseases. Last evaluated: 2025-10-22. Review status: criteria provided, single submitter. Criteria: Ambry Variant Classification Scheme 2023. Collection method: clinical testing. Allele origin: germline.

CeGaT Center for Human Genetics Tuebingen
Classification: Uncertain significance. Last evaluated: 2025-09-01. Review status: criteria provided, single submitter. Criteria: CeGaT Center For Human Genetics Tuebingen Variant Classification Criteria Version 2. Collection method: clinical testing. Allele origin: germline. Affected: yes. Observed: 1 variant allele.
Comment: HEXB: PM2

NM_000521.4(HEXB):c.514T>G (p.Leu172Val)

Gene: HEXB (hexosaminidase subunit beta; plus strand). Cytogenetic location: 5q13.3.
Variant type: single nucleotide variant.
Coding change: c.514T>G on transcript NM_000521.4 (MANE Select); coding-DNA position 514, T replaced by G.
Protein change: p.Leu172Val; replaces leucine 172 with valine.
Molecular consequence: missense variant. On other transcripts: 5 prime UTR variant (1).
Genome position (GRCh38, 1-based): chr5:74,696,695, T>G. VCF-style: chr5-74696695-T-G. GRCh37 (hg19) VCF-style: chr5-73992520-T-G.
Other names: c.-162T>G (NM_001292004.2); short protein forms L172V.
Identifiers: ClinVar variation 2469505 (VCV002469505.9), dbSNP rs761880870, ClinGen allele CA3305866.